The following is an entry in ClinVar:

NM_005222.4(DLX6):c.389C>G (p.Ser130Cys)

Genes: DLX6 (distal-less homeobox 6; plus strand), DLX6-AS1 (DLX6 antisense RNA 1; minus strand), LOC129998836 (ATAC-STARR-seq lymphoblastoid silent region 18385; plus strand). Cytogenetic location: 7q21.3.
Variant type: single nucleotide variant.
Coding change: c.389C>G on transcript NM_005222.4 (MANE Select); coding-DNA position 389, C replaced by G.
Protein change: p.Ser130Cys; replaces serine 130 with cysteine.
Molecular consequence: missense variant.
Genome position (GRCh38, 1-based): chr7:97,006,366, C>G. VCF-style: chr7-97006366-C-G. GRCh37 (hg19) VCF-style: chr7-96635678-C-G.
Other names: short protein forms S130C.
Identifiers: ClinVar variation 4703462 (VCV004703462.1).
Genomic context (GRCh38, chr7:97,006,366, plus strand): 5'-ACCGCTCGCTCGCCGCCTACCCCTACATGAGCCACTCGCAGCACAGCCCTTACCTCCAGT[C>G]CTACCACAACAGCAGCGCAGCCGCCCAGACGCGAGGGGACGACACAGGTGAGAGGCCGCT-3'
Protein context (NP_005213.3, residues 120-140): SHSQHSPYLQ[Ser130Cys]YHNSSAAAQT

ClinVar aggregate classification (germline): Uncertain significance (1 of 4 stars; one submission).

gnomAD v4.1: 2 of 1,469,342 alleles (0.00014%); highest among the groups gnomAD compares: Non-Finnish European, 0.00018%; no homozygotes.

Submission:

Labcorp Genetics (formerly Invitae), Labcorp
Classification: Uncertain significance. Last evaluated: 2025-02-10. Review status: criteria provided, single submitter. Criteria: Invitae Variant Classification Sherloc (09022015). Collection method: clinical testing. Allele origin: germline.
Comment: This sequence change replaces serine, which is neutral and polar, with cysteine, which is neutral and slightly polar, at codon 130 of the DLX6 protein (p.Ser130Cys). This variant is not present in population databases (gnomAD no frequency). This variant has not been reported in the literature in individuals affected with DLX6-related conditions. An algorithm developed to predict the effect of missense changes on protein structure and function (PolyPhen-2) suggests that this variant is likely to be disruptive. In summary, the available evidence is currently insufficient to determine the role of this variant in disease. Therefore, it has been classified as a Variant of Uncertain Significance.